The following is an entry in ClinVar:

ClinVar aggregate classification (germline): Pathogenic (1 of 4 stars; one submission).

Submission:

GeneDx
Classification: Pathogenic. Last evaluated: 2022-08-10. Review status: criteria provided, single submitter. Criteria: GeneDx Variant Classification Process June 2021. Collection method: clinical testing. Allele origin: germline. Affected: yes.
Comment: Frameshift variant predicted to result in protein truncation or nonsense mediated decay in a gene for which loss-of-function is a known mechanism of disease; Not observed in large population cohorts (gnomAD); Has not been previously published as pathogenic or benign to our knowledge

NM_015338.6(ASXL1):c.1406dup (p.Ser470fs)

Gene: ASXL1 (ASXL transcriptional regulator 1; plus strand). Cytogenetic location: 20q11.21.
Variant type: Duplication.
Coding change: c.1406dup on transcript NM_015338.6 (MANE Select); coding-DNA position 1406, one base duplicated (C; older notation c.1406dupC).
Protein change: p.Ser470fs; shifts the reading frame from serine 470.
Molecular consequence: frameshift variant.
Genome position (GRCh38, 1-based): chr20:32,433,604, C duplicated. VCF-style (leftmost placement, unchanged base first): chr20-32433603-A-AC. GRCh37 (hg19) VCF-style: chr20-31021406-A-AC.
Other names: c.1406dupC (NM_015338.5); c.1223dup, p.Ser409fs (NM_001363734.1); short protein forms S409fs, S470fs.
Identifiers: ClinVar variation 418797 (VCV000418797.5), dbSNP rs1555911496, ClinGen allele CA16620921.
Genomic context (GRCh38, chr20:32,433,603, plus strand): 5'-TACAAGGATGGGGAGGCTAAGACTGACCCAGCAGGGCTGAGCAGTCCCCATCTGCCAGGC[A>AC]CATCCTCTGCAGCACCCGACCTGGAGGGTCCCGAATTCCCAGTTGAGTCTGTGGCTTCTC-3'